The following is an entry in ClinVar:

ClinVar aggregate classification (germline): Conflicting classifications of pathogenicity. Review status: criteria provided, conflicting classifications (1 of 4 stars). 2 submissions from 2 submitters: Uncertain significance (1); Likely benign (1). Last evaluated 2025-12-27.

gnomAD v4.1: 37 of 1,614,208 alleles (0.0023%); highest among the groups gnomAD compares: East Asian, 0.08%; no homozygotes.

Submissions (2):

Labcorp Genetics (formerly Invitae), Labcorp
Classification: Uncertain significance. Last evaluated: 2025-12-27. Review status: criteria provided, single submitter. Criteria: Invitae Variant Classification Sherloc (09022015). Collection method: clinical testing. Allele origin: germline.
Comment: This sequence change replaces lysine, which is basic and polar, with methionine, which is neutral and non-polar, at codon 473 of the PDZD7 protein (p.Lys473Met). This variant is present in population databases (rs545307027, gnomAD 0.2%). This variant has not been reported in the literature in individuals affected with PDZD7-related conditions. Invitae Evidence Modeling of protein sequence and biophysical properties (such as structural, functional, and spatial information, amino acid conservation, physicochemical variation, residue mobility, and thermodynamic stability) indicates that this missense variant is not expected to disrupt PDZD7 protein function with a negative predictive value of 80%. In summary, the available evidence is currently insufficient to determine the role of this variant in disease. Therefore, it has been classified as a Variant of Uncertain Significance.

Blueprint Genetics
Classification: Likely benign. Last evaluated: 2021-04-12. Review status: criteria provided, single submitter. Criteria: ACMG Guidelines, 2015. Collection method: clinical testing. Allele origin: germline.

NM_001195263.2(PDZD7):c.1418A>T (p.Lys473Met)

Gene: PDZD7 (PDZ domain containing 7; minus strand). Cytogenetic location: 10q24.31.
Variant type: single nucleotide variant.
Coding change: c.1418A>T on transcript NM_001195263.2 (MANE Select); coding-DNA position 1418, A replaced by T.
Protein change: p.Lys473Met; replaces lysine 473 with methionine.
Molecular consequence: missense variant.
Genome position (GRCh38, 1-based): chr10:101,018,203, T>A on the plus strand (A>T on the coding strand, the complement: PDZD7 is on the minus strand). VCF-style: chr10-101018203-T-A. GRCh37 (hg19) VCF-style: chr10-102777960-T-A.
Other names: c.1446A>T, p.Gln482His (NM_001351044.2); c.1418A>T, p.Lys473Met (NM_001437429.1, NM_024895.5); short protein forms K473M, Q482H.
Identifiers: ClinVar variation 4708127 (VCV004708127.2).